The following is an entry in ClinVar:

ClinVar aggregate classification (germline): Uncertain significance (1 of 4 stars; one submission).

Conditions:
Inflammatory bowel disease. Identifiers: Orphanet 104012, MedGen C0021390, MONDO:0005265.

Allele frequency attached by ClinVar (database versions not stated): gnomAD 0.00001; gnomAD exomes 0.00002; ExAC 0.00003.

Submission:

Labcorp Genetics (formerly Invitae), Labcorp
Classification: Uncertain significance for Inflammatory bowel disease. Last evaluated: 2022-05-25. Review status: criteria provided, single submitter. Criteria: Invitae Variant Classification Sherloc (09022015). Collection method: clinical testing. Allele origin: germline.
Comment: This variant is present in population databases (rs771277922, gnomAD 0.03%). This variant has not been reported in the literature in individuals affected with IL10-related conditions. Algorithms developed to predict the effect of missense changes on protein structure and function output the following: SIFT: "Tolerated"; PolyPhen-2: "Benign"; Align-GVGD: "Class C0". The lysine amino acid residue is found in multiple mammalian species, which suggests that this missense change does not adversely affect protein function. In summary, the available evidence is currently insufficient to determine the role of this variant in disease. Therefore, it has been classified as a Variant of Uncertain Significance. This sequence change replaces asparagine, which is neutral and polar, with lysine, which is basic and polar, at codon 178 of the IL10 protein (p.Asn178Lys).

NM_000572.3(IL10):c.534C>A (p.Asn178Lys)

Gene: IL10 (interleukin 10; minus strand). Cytogenetic location: 1q32.1.
Variant type: single nucleotide variant.
Coding change: c.534C>A on transcript NM_000572.3 (MANE Select); coding-DNA position 534, C replaced by A.
Protein change: p.Asn178Lys; replaces asparagine 178 with lysine.
Molecular consequence: missense variant. On other transcripts: non-coding transcript variant (2).
Genome position (GRCh38, 1-based): chr1:206,768,639, G>T on the plus strand (C>A on the coding strand, the complement: IL10 is on the minus strand). VCF-style: chr1-206768639-G-T. GRCh37 (hg19) VCF-style: chr1-206941984-G-T.
Other names: c.279C>A, p.Asn93Lys (NM_001382624.1); short protein forms N178K, N93K.
Identifiers: ClinVar variation 1952412 (VCV001952412.4), dbSNP rs771277922, ClinGen allele CA1363720.